The following is an entry in ClinVar:

NM_181458.4(PAX3):c.505G>A (p.Glu169Lys)

Gene: PAX3 (paired box 3; minus strand). Cytogenetic location: 2q36.1.
Variant type: single nucleotide variant.
Coding change: c.505G>A on transcript NM_181458.4 (MANE Select); coding-DNA position 505, G replaced by A.
Protein change: p.Glu169Lys; replaces glutamic acid 169 with lysine.
Molecular consequence: missense variant.
Genome position (GRCh38, 1-based): chr2:222,294,248, C>T on the plus strand (G>A on the coding strand, the complement: PAX3 is on the minus strand). VCF-style: chr2-222294248-C-T. GRCh37 (hg19) VCF-style: chr2-223158967-C-T.
Other names: c.505G>A, p.Glu169Lys (NM_000438.6, NM_013942.5, NM_181457.4 and 3 more transcripts); c.502G>A, p.Glu168Lys (NM_001127366.3); short protein forms E169K, E168K.
Identifiers: ClinVar variation 235363 (VCV000235363.3), dbSNP rs878853019, ClinGen allele CA10581288.

ClinVar aggregate classification (germline): Uncertain significance (1 of 4 stars; one submission).

Allele frequency attached by ClinVar (database versions not stated): TOPMed below 0.00001.

Submission:

Center for Pediatric Genomic Medicine, Children's Mercy Hospital and Clinics
Classification: Uncertain significance. Last evaluated: 2015-12-21. Review status: criteria provided, single submitter. Criteria: ACMG Guidelines, 2015. Collection method: clinical testing. Allele origin: germline.
ClinVar note: Converted during submission from Uncertain Significance to Uncertain significance.